The following is an entry in ClinVar:

NM_015338.6(ASXL1):c.1569dup (p.Arg524fs)

Gene: ASXL1 (ASXL transcriptional regulator 1; plus strand). Cytogenetic location: 20q11.21.
Variant type: Duplication.
Coding change: c.1569dup on transcript NM_015338.6 (MANE Select); coding-DNA position 1569, one base duplicated (G; older notation c.1569dupG).
Protein change: p.Arg524fs; shifts the reading frame from arginine 524.
Molecular consequence: frameshift variant.
Genome position (GRCh38, 1-based): chr20:32,433,767, G duplicated. VCF-style (leftmost placement, unchanged base first): chr20-32433766-A-AG. GRCh37 (hg19) VCF-style: chr20-31021569-A-AG.
Other names: c.1386dup, p.Arg463fs (NM_001363734.1); short protein forms R463fs, R524fs.
Identifiers: ClinVar variation 1204208 (VCV001204208.3), dbSNP rs2123267274, ClinGen allele CA2499225720.
Genomic context (GRCh38, chr20:32,433,766, plus strand): 5'-CTCCAGACAGAATTCCTAGCCTGCCTCAGGAAACTGTGGATCAGGAACCCAAGGATCAGA[A>AG]GAGGAAATCCTTTGAGCAGGCGGCCTCTGCATCCTTTCCCGAAAAGAAGCCCCGGCTTGA-3'

ClinVar aggregate classification (germline): Pathogenic (1 of 4 stars; one submission).

Submission:

GeneDx
Classification: Pathogenic. Last evaluated: 2019-11-14. Review status: criteria provided, single submitter. Criteria: GeneDx Variant Classification Process June 2021. Collection method: clinical testing. Allele origin: germline. Affected: yes.
Comment: Frameshift variant predicted to result in protein truncation or nonsense mediated decay in a gene for which loss-of-function is a known mechanism of disease; Not observed in large population cohorts (Lek et al., 2016); Has not been previously published as pathogenic or benign to our knowledge